The following is an entry in ClinVar:

ClinVar aggregate classification (germline): Conflicting classifications of pathogenicity. Review status: criteria provided, conflicting classifications (1 of 4 stars). 2 submissions from 2 submitters: Likely pathogenic (1); Uncertain significance (1). Last evaluated 2024-10-08.

Conditions:
Multiple acyl-CoA dehydrogenase deficiency (MADD). Also called: Glutaric aciduria, type 2; ETHYLMALONIC-ADIPICACIDURIA; GA II; Glutaric Acidemia type 2; Glutaric acidemia type II; GA 2. Identifiers: Orphanet 26791, MedGen C0268596, MONDO:0009282, OMIM 231680.

gnomAD v4.1: 4 of 1,613,892 alleles (0.00025%); highest among the groups gnomAD compares: African/African-American, 0.0053%; no homozygotes.

Submissions (2):

Women's Health and Genetics/Laboratory Corporation of America, LabCorp
Classification: Likely pathogenic for Multiple acyl-CoA dehydrogenase deficiency. Last evaluated: 2024-10-08. Review status: criteria provided, single submitter. Criteria: LabCorp Variant Classification Summary - May 2015. Collection method: clinical testing. Allele origin: germline.
Comment: Variant summary: ETFA c.242A>C (p.His81Pro) results in a non-conservative amino acid change located in the Electron transfer flavoprotein, alpha/beta-subunit, N-terminal domain (IPR014730) of the encoded protein sequence. Three of five in-silico tools predict a damaging effect of the variant on protein function. The variant was absent in 251484 control chromosomes (gnomAD). c.242A>C has been reported in the literature in a homozygous individual affected with Glutaric Aciduria, Type 2a (van Rijt_2019). These data indicate that the variant may be associated with disease. This publication reports experimental evidence evaluating an impact on protein function. The most pronounced variant effect results in 10%-<30% of normal FAO activity (van Rijt_2019). The following publication has been ascertained in the context of this evaluation (PMID: 31268564). ClinVar contains an entry for this variant (Variation ID: 2431399). Based on the evidence outlined above, the variant was classified as likely pathogenic.

Laboratorio de Genetica e Diagnostico Molecular, Hospital Israelita Albert Einstein
Classification: Uncertain significance for Multiple acyl-CoA dehydrogenase deficiency. Last evaluated: 2022-11-18. Review status: criteria provided, single submitter. Criteria: ACMG Guidelines, 2015. Collection method: clinical testing. Allele origin: germline. Affected: yes. Observed: 1 variant allele.
Comment: ACMG classification criteria: PM2 moderated, PP3 supporting, PP4

Literature cited by the submitters: PubMed 31268564 (cited by Women's Health and Genetics/Laboratory Corporation of America, LabCorp).

NM_000126.4(ETFA):c.242A>C (p.His81Pro)

Gene: ETFA (electron transfer flavoprotein subunit alpha; minus strand). Cytogenetic location: 15q24.2.
Variant type: single nucleotide variant.
Coding change: c.242A>C on transcript NM_000126.4 (MANE Select); coding-DNA position 242, A replaced by C.
Protein change: p.His81Pro; replaces histidine 81 with proline.
Molecular consequence: missense variant.
Genome position (GRCh38, 1-based): chr15:76,292,645, T>G on the plus strand (A>C on the coding strand, the complement: ETFA is on the minus strand). VCF-style: chr15-76292645-T-G. GRCh37 (hg19) VCF-style: chr15-76584986-T-G.
Other names: c.95A>C, p.His32Pro (NM_001127716.2); short protein forms H32P, H81P.
Identifiers: ClinVar variation 2431399 (VCV002431399.2), dbSNP rs972293793, ClinGen allele CA273699474.